The following is an entry in ClinVar:

ClinVar aggregate classification (germline): Conflicting classifications of pathogenicity. Review status: criteria provided, conflicting classifications (1 of 4 stars). 12 submissions from 10 submitters: Uncertain significance (3); Benign (1); Likely benign (4). 4 of the submissions do not count toward it. Last evaluated 2026-02-01.

Conditions:
Arrhythmogenic right ventricular dysplasia 8 (ARVD8). Also called: ARRHYTHMOGENIC RIGHT VENTRICULAR DYSPLASIA, FAMILIAL, 8; ARRHYTHMOGENIC RIGHT VENTRICULAR CARDIOMYOPATHY 8; Arrhythmogenic Right Ventricular Dysplasia/Cardiomyopathy 8. Identifiers: MedGen C1843896, MONDO:0011831, OMIM 607450.
Arrhythmogenic cardiomyopathy with wooly hair and keratoderma. Also called: Dilated cardiomyopathy with woolly hair and keratoderma; Arrhythmogenic cardiomyopathy with woolly hair and keratoderma; PALMOPLANTAR KERATODERMA WITH LEFT VENTRICULAR CARDIOMYOPATHY AND WOOLLY HAIR; Carvajal syndrome. Identifiers: Orphanet 65282, MedGen C1854063, MONDO:0011581, OMIM 605676.
Lethal acantholytic epidermolysis bullosa (EBLA). Identifiers: Orphanet 158687, MedGen C1864826, MONDO:0012323, OMIM 609638.
Woolly hair-skin fragility syndrome (WHSF). Identifiers: Orphanet 293165, MedGen C1843292, MONDO:0957307, OMIM 620415.

Allele frequency attached by ClinVar (database versions not stated): ESP Exome Variant Server 0.00038; ExAC 0.00040; gnomAD exomes 0.00042 and 0.00044; TOPMed 0.00045; gnomAD 0.00046 and 0.00048.
gnomAD v4.1: 708 of 1,614,172 alleles (0.044%); highest among the groups gnomAD compares: Non-Finnish European, 0.052%; 1 homozygote.

Submissions (12):

Labcorp Genetics (formerly Invitae), Labcorp
Classification: Likely benign for Arrhythmogenic cardiomyopathy with wooly hair and keratoderma; Arrhythmogenic right ventricular dysplasia 8. Last evaluated: 2026-02-01. Review status: criteria provided, single submitter. Criteria: Invitae Variant Classification Sherloc (09022015). Collection method: clinical testing. Allele origin: germline.

Women's Health and Genetics/Laboratory Corporation of America, LabCorp
Classification: Benign. Last evaluated: 2025-11-12. Review status: criteria provided, single submitter. Criteria: LabCorp Variant Classification Summary - May 2015. Collection method: clinical testing. Allele origin: germline.
Comment: Variant summary: DSP c.1574+14G>T alters a nucleotide located at a position not widely known to affect splicing. Consensus agreement among computation tools predict no significant impact on normal splicing. However, these predictions have yet to be confirmed by functional studies. The variant allele was found at a frequency of 0.00042 in 251280 control chromosomes. The observed variant frequency exceeds the estimated maximal expected allele frequency for disease-causing variants in DSP. To our knowledge, no occurrence of c.1574+14G>T in individuals affected with DSP-related conditions and no experimental evidence demonstrating its impact on protein function have been reported. ClinVar contains an entry for this variant (Variation ID: 44863). Based on the evidence outlined above, the variant was classified as benign.

Blueprint Genetics
Classification: Likely benign. Last evaluated: 2024-11-26. Review status: criteria provided, single submitter. Criteria: ACMG Guidelines, 2015. Collection method: clinical testing. Allele origin: germline.

GeneDx
Classification: Likely benign. Last evaluated: 2018-06-01. Review status: criteria provided, single submitter. Criteria: GeneDx Variant Classification Process June 2021. Collection method: clinical testing. Allele origin: germline. Affected: yes.
Comment: This variant is associated with the following publications: (PMID: 24503780)

Illumina Laboratory Services, Illumina
Classification: Uncertain significance for Arrhythmogenic right ventricular dysplasia 8. Last evaluated: 2017-04-27. Review status: criteria provided, single submitter. Criteria: ICSL Variant Classification Criteria 13 December 2019. Collection method: clinical testing. Allele origin: germline.

Illumina Laboratory Services, Illumina
Classification: Uncertain significance for Arrhythmogenic cardiomyopathy with wooly hair and keratoderma. Last evaluated: 2017-04-27. Review status: criteria provided, single submitter. Criteria: ICSL Variant Classification Criteria 13 December 2019. Collection method: clinical testing. Allele origin: germline.

Illumina Laboratory Services, Illumina
Classification: Uncertain significance for Lethal acantholytic epidermolysis bullosa. Last evaluated: 2017-04-27. Review status: criteria provided, single submitter. Criteria: ICSL Variant Classification Criteria 13 December 2019. Collection method: clinical testing. Allele origin: germline.

Laboratory for Molecular Medicine, Mass General Brigham Personalized Medicine
Classification: Likely benign. Last evaluated: 2012-01-27. Review status: criteria provided, single submitter. Criteria: LMM Criteria. Collection method: clinical testing. Allele origin: germline. Observed: 4 variant alleles.
Comment: 1574+14G>A in intron 12 of DSP: This variant is not expected to have clinical si gnificance because it is not located within the splice consensus sequence. This variant has also been identified in 3/7020 European American chromosomes by the NHLBI Exome Sequencing Project in a broad population (du/EVS). 1574+14G>A in intron 12 of DSP (allele frequency = 3/7020) **

Clinical Genetics DNA and cytogenetics Diagnostics Lab, Erasmus MC, Erasmus Medical Center
Classification: Likely benign. Review status: no assertion criteria provided. Collection method: clinical testing. Allele origin: germline. Affected: yes. Study: VKGL Data-share Consensus. Not counted in ClinVar's aggregate classification.

Clinical Genetics, Academic Medical Center
Classification: Benign. Review status: no assertion criteria provided. Collection method: clinical testing. Allele origin: germline. Affected: yes. Study: VKGL Data-share Consensus. Not counted in ClinVar's aggregate classification.

Diagnostic Laboratory, Department of Genetics, University Medical Center Groningen
Classification: Likely benign. Review status: no assertion criteria provided. Collection method: clinical testing. Allele origin: germline. Affected: yes. Study: VKGL Data-share Consensus. Not counted in ClinVar's aggregate classification.

Genome Diagnostics Laboratory, University Medical Center Utrecht
Classification: Likely benign. Review status: no assertion criteria provided. Collection method: clinical testing. Allele origin: germline. Affected: yes. Study: VKGL Data-share Consensus. Not counted in ClinVar's aggregate classification.

NM_004415.4(DSP):c.1574+14G>T

Gene: DSP (desmoplakin; plus strand). Cytogenetic location: 6p24.3.
Variant type: single nucleotide variant.
Coding change: c.1574+14G>T on transcript NM_004415.4 (MANE Select); 14 bases into the intron after coding-DNA position 1574, G replaced by T.
Molecular consequence: intron variant.
Genome position (GRCh38, 1-based): chr6:7,569,354, G>T. VCF-style: chr6-7569354-G-T. GRCh37 (hg19) VCF-style: chr6-7569587-G-T.
Other names: c.1574+14G>T (NM_001319034.2, NM_001008844.3).
Identifiers: ClinVar variation 44863 (VCV000044863.28), dbSNP rs200443042, ClinGen allele CA005026.